The following is an entry in ClinVar:

ClinVar aggregate classification (germline): Uncertain significance (1 of 4 stars; one submission).

Submission:

GeneDx
Classification: Uncertain significance. Last evaluated: 2019-10-17. Review status: criteria provided, single submitter. Criteria: GeneDx Variant Classification Process June 2021. Collection method: clinical testing. Allele origin: germline. Affected: yes.
Comment: Not observed in large population cohorts (Lek et al., 2016); In silico analysis, which includes protein predictors and evolutionary conservation, supports a deleterious effect; Has not been previously published as pathogenic or benign to our knowledge

NM_001110556.2(FLNA):c.7766T>C (p.Met2589Thr)

Genes: FLNA (filamin A; minus strand), LOC107988032 (Xq28 proximal FLNA-EMD recombination region; plus strand). Cytogenetic location: Xq28.
Variant type: single nucleotide variant.
Coding change: c.7766T>C on transcript NM_001110556.2 (MANE Select); coding-DNA position 7766, T replaced by C.
Protein change: p.Met2589Thr; replaces methionine 2589 with threonine.
Molecular consequence: missense variant.
Genome position (GRCh38, 1-based): chrX:154,349,027, A>G on the plus strand (T>C on the coding strand, the complement: FLNA is on the minus strand). VCF-style: chrX-154349027-A-G. GRCh37 (hg19) VCF-style: chrX-153577395-A-G.
Other names: c.7742T>C, p.Met2581Thr (NM_001456.4); short protein forms M2581T, M2589T.
Identifiers: ClinVar variation 1218639 (VCV001218639.3), dbSNP rs2148099849, ClinGen allele CA415178798.
Genomic context (GRCh38, chrX:154,349,027, plus strand): 5'-ACGTGCTTCACCAGGATCTCCTCGCAGGGGGTCCTTGGGCCATGAACCCCCACCAGCAGC[A>G]TGTTGTTGCCTGAGGCAAGAGGGGTCCTCAGTCCCAGGTCCCAGCCCCCTTCCTCCCGCT-3'
Protein context (NP_001104026.1, residues 2579-2599): TVDCSKAGNN[Met2589Thr]LLVGVHGPRT